The following is an entry in ClinVar:

ClinVar aggregate classification (germline): Uncertain significance (1 of 4 stars; one submission).

gnomAD v4.1: 153 of 1,599,364 alleles (0.0096%); highest among the groups gnomAD compares: East Asian, 0.023%; no homozygotes.

Submission:

Dasa
Classification: Uncertain significance. Last evaluated: 2025-10-15. Review status: criteria provided, single submitter. Criteria: DASA Assertion Criteria. Collection method: clinical testing. Allele origin: germline.
Comment: NM_001797.4(CDH11):c.79C>T (p.Arg27Trp) is a missense variant that results in the substitution of arginine with tryptophan. This variant is rare in population databases. Computational prediction algorithms are consistent with a benign effect. The currently available literature and clinical evidence are not sufficient to establish a definitive association between this variant and the reported condition. Therefore, this variant is classified as a variant of uncertain significance.

NM_001797.4(CDH11):c.79C>T (p.Arg27Trp)

Gene: CDH11 (cadherin 11; minus strand). Cytogenetic location: 16q21.
Variant type: single nucleotide variant.
Coding change: c.79C>T on transcript NM_001797.4 (MANE Select); coding-DNA position 79, C replaced by T.
Protein change: p.Arg27Trp; replaces arginine 27 with tryptophan.
Molecular consequence: missense variant. On other transcripts: intron variant (1).
Genome position (GRCh38, 1-based): chr16:65,004,791, G>A on the plus strand (C>T on the coding strand, the complement: CDH11 is on the minus strand). VCF-style: chr16-65004791-G-A. GRCh37 (hg19) VCF-style: chr16-65038694-G-A.
Other names: c.79C>T, p.Arg27Trp (NM_001308392.2); c.-150-5935C>T (NM_001330576.2); short protein forms R27W.
Identifiers: ClinVar variation 4885934 (VCV004885934.2).